The following is an entry in ClinVar:

ClinVar aggregate classification (germline): Uncertain significance. Review status: criteria provided, multiple submitters, no conflicts (2 of 4 stars). 2 submissions from 2 submitters: Uncertain significance (2). Last evaluated 2025-08-14.

Conditions:
Neutral lipid storage myopathy (NLSDM). Also called: NEUTRAL LIPID STORAGE DISEASE WITHOUT ICHTHYOSIS. Identifiers: Orphanet 98908, MedGen C1853136, MONDO:0012545, OMIM 610717.
Inborn genetic diseases. Identifiers: MedGen C0950123, MeSH D030342.

Allele frequency attached by ClinVar (database versions not stated): ExAC 0.00001; gnomAD 0.00002; TOPMed 0.00002.

Submissions (2):

Ambry Genetics
Classification: Uncertain significance for Inborn genetic diseases. Last evaluated: 2025-08-14. Review status: criteria provided, single submitter. Criteria: Ambry Variant Classification Scheme 2023. Collection method: clinical testing. Allele origin: germline.

Labcorp Genetics (formerly Invitae), Labcorp
Classification: Uncertain significance for Neutral lipid storage myopathy. Last evaluated: 2022-02-03. Review status: criteria provided, single submitter. Criteria: Invitae Variant Classification Sherloc (09022015). Collection method: clinical testing. Allele origin: germline.
Comment: This sequence change replaces serine, which is neutral and polar, with tyrosine, which is neutral and polar, at codon 130 of the PNPLA2 protein (p.Ser130Tyr). This variant is present in population databases (rs763636189, gnomAD 0.0009%). This variant has not been reported in the literature in individuals affected with PNPLA2-related conditions. Algorithms developed to predict the effect of missense changes on protein structure and function output the following: SIFT: "Deleterious"; PolyPhen-2: "Benign"; Align-GVGD: "Class C15". The tyrosine amino acid residue is found in multiple mammalian species, which suggests that this missense change does not adversely affect protein function. In summary, the available evidence is currently insufficient to determine the role of this variant in disease. Therefore, it has been classified as a Variant of Uncertain Significance.

NM_020376.4(PNPLA2):c.389C>A (p.Ser130Tyr)

Gene: PNPLA2 (patatin like domain 2, triacylglycerol lipase; plus strand). Cytogenetic location: 11p15.5.
Variant type: single nucleotide variant.
Coding change: c.389C>A on transcript NM_020376.4 (MANE Select); coding-DNA position 389, C replaced by A.
Protein change: p.Ser130Tyr; replaces serine 130 with tyrosine.
Molecular consequence: missense variant.
Genome position (GRCh38, 1-based): chr11:821,829, C>A. VCF-style: chr11-821829-C-A. GRCh37 (hg19) VCF-style: chr11-821829-C-A.
Other names: c.389C>A (NM_020376.3); short protein forms S130Y.
Identifiers: ClinVar variation 2065423 (VCV002065423.2), dbSNP rs763636189, ClinGen allele CA5790952.